The following is an entry in ClinVar:

NM_000061.3(BTK):c.1694dup (p.Pro566fs)

Gene: BTK (Bruton tyrosine kinase; minus strand). Cytogenetic location: Xq22.1.
Variant type: Duplication.
Coding change: c.1694dup on transcript NM_000061.3 (MANE Select); coding-DNA position 1694, one base duplicated (C; older notation c.1694dupC).
Protein change: p.Pro566fs; shifts the reading frame from proline 566.
Molecular consequence: frameshift variant.
Genome position (GRCh38, 1-based): chrX:101,353,926, G duplicated on the plus strand (C on the coding strand, the reverse complement: BTK is on the minus strand); the first of 4 consecutive G bases (chrX:101,353,926-101,353,929); duplicating any one gives the same sequence. VCF-style (leftmost placement, unchanged base first): chrX-101353925-T-TG. GRCh37 (hg19) VCF-style: chrX-100608913-T-TG.
Other names: c.1796dup, p.Pro600fs (NM_001287344.2); c.1166dup, p.Pro390fs (NM_001287345.2); short protein forms P566fs, P390fs, P600fs.
Identifiers: ClinVar variation 2811372 (VCV002811372.3), dbSNP rs2520534155, ClinGen allele CA2739273637.

ClinVar aggregate classification (germline): Pathogenic (1 of 4 stars; one submission).

Conditions:
X-linked agammaglobulinemia with growth hormone deficiency (IGHD3). Also called: AGAMMAGLOBULINEMIA AND ISOLATED GROWTH HORMONE DEFICIENCY, X-LINKED; FLEISHER SYNDROME; HYPOGAMMAGLOBULINEMIA AND ISOLATED GROWTH HORMONE DEFICIENCY, X-LINKED; IGHD III; Isolated growth hormone deficiency type 3; Growth hormone deficiency with hypogammaglobulinemia. Identifiers: Orphanet 231692, Orphanet 631, MedGen C0472813, MONDO:0010615, OMIM 307200.

Submission:

Labcorp Genetics (formerly Invitae), Labcorp
Classification: Pathogenic for X-linked agammaglobulinemia with growth hormone deficiency. Last evaluated: 2022-11-01. Review status: criteria provided, single submitter. Criteria: Invitae Variant Classification Sherloc (09022015). Collection method: clinical testing. Allele origin: germline.
Comment: For these reasons, this variant has been classified as Pathogenic. This variant has not been reported in the literature in individuals affected with BTK-related conditions. This variant is not present in population databases (gnomAD no frequency). This sequence change creates a premature translational stop signal (p.Pro566Thrfs*7) in the BTK gene. It is expected to result in an absent or disrupted protein product. Loss-of-function variants in BTK are known to be pathogenic (PMID: 15661032, 16862044, 19419768).

Literature cited by the submitters: PubMed 15661032; PubMed 16862044; PubMed 19419768.